The following is an entry in ClinVar:

ClinVar aggregate classification (germline): Uncertain significance (1 of 4 stars; one submission).

Conditions:
BCORL1-related disorder. Also called: BCORL1-related condition.

gnomAD v4.1: 1 of 1,211,697 alleles (0.000083%); highest among the groups gnomAD compares: East Asian, 0.003%; no homozygotes.

Submission:

PreventionGenetics, part of Exact Sciences
Classification: Uncertain significance for BCORL1-related condition. Last evaluated: 2022-10-18. Review status: criteria provided, single submitter. Criteria: ACMG Guidelines, 2015. Collection method: clinical testing. Allele origin: germline.
Comment: The BCORL1 c.4336A>G variant is predicted to result in the amino acid substitution p.Ser1446Gly. To our knowledge, this variant has not been reported in the literature or in a large population database, indicating this variant is rare. At this time, the clinical significance of this variant is uncertain due to the absence of conclusive functional and genetic evidence.

NM_001379451.1(BCORL1):c.4558A>G (p.Ser1520Gly)

Gene: BCORL1 (BCL6 corepressor like 1; plus strand). Cytogenetic location: Xq26.1.
Variant type: single nucleotide variant.
Coding change: c.4558A>G on transcript NM_001379451.1 (MANE Select); coding-DNA position 4558, A replaced by G.
Protein change: p.Ser1520Gly; replaces serine 1520 with glycine.
Molecular consequence: missense variant.
Genome position (GRCh38, 1-based): chrX:130,037,397, A>G. VCF-style: chrX-130037397-A-G. GRCh37 (hg19) VCF-style: chrX-129171372-A-G.
Other names: c.4558A>G, p.Ser1520Gly (NM_001184772.3, NM_001379450.1); c.4336A>G, p.Ser1446Gly (NM_021946.5); short protein forms S1446G, S1520G.
Identifiers: ClinVar variation 2636992 (VCV002636992.1), dbSNP rs2522855456, ClinGen allele CA414555152.
Genomic context (GRCh38, chrX:130,037,397, plus strand): 5'-TTGCTCATGGAGTTGTCCCTGTCCCCACAGGATGTTGTTCTCTACTGCCTCCAGAAAGAC[A>G]GTGAAGATGTGAATCACCGTGACAATGCTGGCTACACAGCCCTGCATGAGGCTTGTTCCC-3'
Protein context (NP_001366380.1, residues 1510-1530): DVVLYCLQKD[Ser1520Gly]EDVNHRDNAG